The following is an entry in ClinVar:

ClinVar aggregate classification (germline): Uncertain significance. Review status: criteria provided, multiple submitters, no conflicts (2 of 4 stars). 3 submissions from 3 submitters: Uncertain significance (3). Last evaluated 2025-10-29.

Conditions:
Epidermolysis bullosa simplex 5B, with muscular dystrophy (EBS5B). Also called: Epidermolysis bullosa simplex with muscular dystrophy; EPIDERMOLYSIS BULLOSA SIMPLEX AND LIMB-GIRDLE MUSCULAR DYSTROPHY. Identifiers: Orphanet 257, MedGen C2931072, MONDO:0009181, OMIM 226670.
Epidermolysis bullosa simplex, Ogna type (EBS5A). Also called: Pidermolysis bullosa simplex 5A, Ogna type; EPIDERMOLYSIS BULLOSA SIMPLEX 5A, OGNA TYPE. Identifiers: Orphanet 79401, MedGen C0432317, MONDO:0007555, OMIM 131950.
Epidermolysis bullosa simplex with nail dystrophy (EBS5D). Identifiers: MedGen C4225309, MONDO:0014661, OMIM 616487.
Autosomal recessive limb-girdle muscular dystrophy type 2Q (LGMDR17). Also called: MUSCULAR DYSTROPHY, LIMB-GIRDLE, AUTOSOMAL RECESSIVE 17. Identifiers: Orphanet 254361, MedGen C3150989, MONDO:0013390, OMIM 613723.
Epidermolysis bullosa simplex 5C, with pyloric atresia (EBS5C). Also called: PLEC-Related Epidermolysis Bullosa with Pyloric Atresia; Epidermolysis bullosa simplex with pyloric atresia; PLEC1-Related Epidermolysis Bullosa with Pyloric Atresia. Identifiers: Orphanet 158684, MedGen C2677349, MONDO:0012807, OMIM 612138.
Inborn genetic diseases. Identifiers: MedGen C0950123, MeSH D030342.

Allele frequency attached by ClinVar (database versions not stated): ExAC below 0.00001; gnomAD 0.00003 and 0.00004; TOPMed 0.00003; gnomAD exomes 0.00004.
gnomAD v4.1: 83 of 1,548,342 alleles (0.0054%); highest among the groups gnomAD compares: Middle Eastern, 0.083%; no homozygotes.

Submissions (3):

Labcorp Genetics (formerly Invitae), Labcorp
Classification: Uncertain significance for Autosomal recessive limb-girdle muscular dystrophy type 2Q; Epidermolysis bullosa simplex, Ogna type; Epidermolysis bullosa simplex with nail dystrophy; Epidermolysis bullosa simplex 5C, with pyloric atresia; Epidermolysis bullosa simplex 5B, with muscular dystrophy. Last evaluated: 2025-10-29. Review status: criteria provided, single submitter. Criteria: Invitae Variant Classification Sherloc (09022015). Collection method: clinical testing. Allele origin: germline.
Comment: This sequence change replaces serine, which is neutral and polar, with leucine, which is neutral and non-polar, at codon 1805 of the PLEC protein (p.Ser1805Leu). This variant is present in population databases (rs782089722, gnomAD 0.008%). This variant has not been reported in the literature in individuals affected with PLEC-related conditions. ClinVar contains an entry for this variant (Variation ID: 597568). Experimental studies and prediction algorithms are not available or were not evaluated, and the functional significance of this variant is currently unknown. In summary, the available evidence is currently insufficient to determine the role of this variant in disease. Therefore, it has been classified as a Variant of Uncertain Significance.

Ambry Genetics
Classification: Uncertain significance for Inborn genetic diseases. Last evaluated: 2022-01-26. Review status: criteria provided, single submitter. Criteria: Ambry Variant Classification Scheme 2023. Collection method: clinical testing. Allele origin: germline.

Eurofins Ntd Llc (ga)
Classification: Uncertain significance. Last evaluated: 2018-06-14. Review status: criteria provided, single submitter. Criteria: EGL ClinVar v180209 classification definitions. Collection method: clinical testing. Allele origin: germline. Observed: 1 variant allele, 1 heterozygote.

NM_201384.3(PLEC):c.5333C>T (p.Ser1778Leu)

Gene: PLEC (plectin; minus strand). Cytogenetic location: 8q24.3.
Variant type: single nucleotide variant.
Coding change: c.5333C>T on transcript NM_201384.3 (MANE Select); coding-DNA position 5333, C replaced by T.
Protein change: p.Ser1778Leu; replaces serine 1778 with leucine.
Molecular consequence: missense variant.
Genome position (GRCh38, 1-based): chr8:143,924,596, G>A on the plus strand (C>T on the coding strand, the complement: PLEC is on the minus strand). VCF-style: chr8-143924596-G-A. GRCh37 (hg19) VCF-style: chr8-144998764-G-A.
Other names: c.5414C>T (NM_000445.3); c.5414C>T, p.Ser1805Leu (NM_000445.5); c.5291C>T, p.Ser1764Leu (NM_201378.4); c.5267C>T, p.Ser1756Leu (NM_201379.3); c.5744C>T, p.Ser1915Leu (NM_201380.4); c.5237C>T, p.Ser1746Leu (NM_201381.3); c.5333C>T, p.Ser1778Leu (NM_201382.4); c.5345C>T, p.Ser1782Leu (NM_201383.3); short protein forms S1764L, S1746L, S1805L, S1915L, S1756L, S1778L, S1782L.
Identifiers: ClinVar variation 597568 (VCV000597568.11), dbSNP rs782089722, ClinGen allele CA4926388.